The following is an entry in ClinVar:

NM_002150.3(HPD):c.633C>T (p.Ser211=)

Genes: HPD (4-hydroxyphenylpyruvate dioxygenase; minus strand), TIALD (transcript inducer of AURKA lysosomal degradation; plus strand). Cytogenetic location: 12q24.31.
Variant type: single nucleotide variant.
Coding change: c.633C>T on transcript NM_002150.3 (MANE Select); coding-DNA position 633, C replaced by T.
Protein change: p.Ser211=; no amino-acid change (serine 211 retained).
Molecular consequence: synonymous variant.
Genome position (GRCh38, 1-based): chr12:121,847,178, G>A on the plus strand (C>T on the coding strand, the complement: HPD is on the minus strand). VCF-style: chr12-121847178-G-A. GRCh37 (hg19) VCF-style: chr12-122285084-G-A.
Other names: c.516C>T, p.Ser172= (NM_001171993.2); c.633C>T (NM_002150.2).
Identifiers: ClinVar variation 2923607 (VCV002923607.5), dbSNP rs749662591, ClinGen allele CA6839586.

ClinVar aggregate classification (germline): Likely benign. Review status: criteria provided, single submitter (1 of 4 stars). 2 submissions from 2 submitters: Likely benign (1). 1 of the submissions does not count toward it. Last evaluated 2025-07-21.

Conditions:
Hawkinsinuria. Identifiers: Orphanet 2118, MedGen C2931042, MONDO:0007700, OMIM 140350, HP:0034457.
Tyrosinemia type III. Also called: Tyrosinemia type 3; 4-alpha hydroxyphenylpyruvic acid oxidase deficiency; 4-alpha hydroxyphenylpyruvate dioxygenase deficiency; 4-Hydroxyphenylpyruvate dioxygenase deficiency; 4-HYDROXYPHENYLPYRUVIC ACID OXIDASE DEFICIENCY. Identifiers: Orphanet 69723, MedGen C0268623, MONDO:0010162, OMIM 276710.
HPD-related disorder. Also called: HPD-related condition.

Allele frequency attached by ClinVar (database versions not stated): ExAC 0.00004.
gnomAD v4.1: 35 of 1,613,998 alleles (0.0022%); highest among the groups gnomAD compares: Non-Finnish European, 0.0023%; no homozygotes.

Submissions (2):

Labcorp Genetics (formerly Invitae), Labcorp
Classification: Likely benign for Tyrosinemia type III; Hawkinsinuria. Last evaluated: 2025-07-21. Review status: criteria provided, single submitter. Criteria: Invitae Variant Classification Sherloc (09022015). Collection method: clinical testing. Allele origin: germline.

PreventionGenetics, part of Exact Sciences
Classification: Likely benign for HPD-related condition. Last evaluated: 2019-06-20. Review status: no assertion criteria provided. Collection method: clinical testing. Allele origin: germline. Not counted in ClinVar's aggregate classification.
Comment: This variant is classified as likely benign based on ACMG/AMP sequence variant interpretation guidelines (Richards et al. 2015 PMID: 25741868, with internal and published modifications).